The following is an entry in ClinVar:

NM_000426.4(LAMA2):c.1127del (p.Gly376fs)

Gene: LAMA2 (laminin subunit alpha 2; plus strand). Cytogenetic location: 6q22.33.
Variant type: Deletion.
Coding change: c.1127del on transcript NM_000426.4 (MANE Select); coding-DNA position 1127, one base deleted (G; older notation c.1127delG).
Protein change: p.Gly376fs; shifts the reading frame from glycine 376.
Molecular consequence: frameshift variant.
Genome position (GRCh38, 1-based): chr6:129,154,604, G deleted; the last of 5 consecutive G bases (chr6:129,154,600-129,154,604); deleting any one gives the same sequence. VCF-style (leftmost placement, unchanged base first): chr6-129154599-AG-A. GRCh37 (hg19) VCF-style: chr6-129475744-AG-A.
Other names: c.1127del, p.Gly376fs (NM_001079823.2); short protein forms G376fs.
Identifiers: ClinVar variation 638501 (VCV000638501.9), dbSNP rs1583149141, ClinGen allele CA645543151.
Genomic context (GRCh38, chr6:129,154,599, plus strand): 5'-TTATGATGAAAATGTTGCCAGAAGAAATCTGAGTTTGAATATACGTGGAAAGTACATTGG[AG>A]GGGGTGTCTGCATTAATTGTACCCAAAACACTGCTGGTATAAACTGCGAGACATGTACTG-3'

ClinVar aggregate classification (germline): Pathogenic. Review status: criteria provided, multiple submitters, no conflicts (2 of 4 stars). 3 submissions from 3 submitters: Pathogenic (3). Last evaluated 2024-03-11.

Conditions:
Muscular dystrophy, limb-girdle, autosomal recessive 23. Identifiers: Orphanet 565837, MedGen C4748327, MONDO:0029136, OMIM 618138.
Merosin deficient congenital muscular dystrophy (MDC1A). Also called: Congenital Muscular Dystrophy Type 1A (MDC1A); Congenital merosin-deficient muscular dystrophy 1A. Identifiers: Orphanet 258, MedGen C1263858, MONDO:0011925, OMIM 607855.
LAMA2-related muscular dystrophy (LAMA2-RD). Also called: Laminin alpha 2-related dystrophy. Identifiers: MedGen C5679788, MONDO:0100228.
Congenital Muscular Dystrophy, LAMA2-related.

Submissions (3):

Labcorp Genetics (formerly Invitae), Labcorp
Classification: Pathogenic for LAMA2-related muscular dystrophy. Last evaluated: 2024-03-11. Review status: criteria provided, single submitter. Criteria: Invitae Variant Classification Sherloc (09022015). Collection method: clinical testing. Allele origin: germline.
Comment: This sequence change creates a premature translational stop signal (p.Gly376Valfs*13) in the LAMA2 gene. It is expected to result in an absent or disrupted protein product. Loss-of-function variants in LAMA2 are known to be pathogenic (PMID: 18700894, 32904964). This variant is not present in population databases (gnomAD no frequency). This variant has not been reported in the literature in individuals affected with LAMA2-related conditions. ClinVar contains an entry for this variant (Variation ID: 638501). For these reasons, this variant has been classified as Pathogenic.

3billion
Classification: Pathogenic for Merosin deficient congenital muscular dystrophy; Muscular dystrophy, limb-girdle, autosomal recessive 23. Last evaluated: 2024-02-24. Review status: criteria provided, single submitter. Criteria: ACMG Guidelines, 2015. Collection method: clinical testing. Allele origin: germline. Affected: yes.
Comment: The variant is not observed in the gnomAD v2.1.1 dataset. Predicted Consequence/Location: Frameshift: predicted to result in a loss or disruption of normal protein function through nonsense-mediated decay (NMD) or protein truncation. Multiple pathogenic variants are reported downstream of the variant. The variant has been reported at least twice as pathogenic without evidence for the classification (ClinVar ID: VCV000638501). Therefore, this variant is classified as Pathogenic according to the recommendation of ACMG/AMP guideline.

Genomic Research Center, Shahid Beheshti University of Medical Sciences
Classification: Pathogenic for Congenital Muscular Dystrophy, LAMA2-related. Last evaluated: 2019-04-27. Review status: criteria provided, single submitter. Criteria: ACMG Guidelines, 2015. Collection method: clinical testing. Allele origin: inherited. Affected: yes.

Literature cited by the submitters: PubMed 18700894 (cited by Labcorp Genetics (formerly Invitae), Labcorp); PubMed 32904964 (cited by Labcorp Genetics (formerly Invitae), Labcorp).